The following is an entry in ClinVar:

ClinVar aggregate classification (germline): Benign/Likely benign. Review status: criteria provided, multiple submitters, no conflicts (2 of 4 stars). 7 submissions from 7 submitters: Benign (1); Likely benign (6). Last evaluated 2026-02-02.

Conditions:
Hereditary cancer-predisposing syndrome. Also called: Hereditary neoplastic syndrome; Neoplastic Syndromes, Hereditary; Tumor predisposition; Hereditary Cancer Syndrome. Identifiers: Orphanet 140162, MedGen C0027672, MeSH D009386, MONDO:0015356.
Familial adenomatous polyposis 1 (FAP1). Also called: POLYPOSIS, ADENOMATOUS INTESTINAL; FAMILIAL ADENOMATOUS POLYPOSIS 1, ATTENUATED. Identifiers: MedGen C2713442, MONDO:0021056, OMIM 175100. Disease mechanism: loss of function.
Classic or attenuated familial adenomatous polyposis. Identifiers: MedGen CN372698, MONDO:0021057.

Allele frequency attached by ClinVar (database versions not stated): ExAC 0.00001; gnomAD exomes 0.00001.
gnomAD v4.1: 9 of 1,614,192 alleles (0.00056%); highest among the groups gnomAD compares: East Asian, 0.0045%; no homozygotes.

Submissions (7):

Labcorp Genetics (formerly Invitae), Labcorp
Classification: Likely benign for Familial adenomatous polyposis 1. Last evaluated: 2026-02-02. Review status: criteria provided, single submitter. Criteria: Invitae Variant Classification Sherloc (09022015). Collection method: clinical testing. Allele origin: germline.

Quest Diagnostics Nichols Institute San Juan Capistrano
Classification: Likely benign. Last evaluated: 2025-09-02. Review status: criteria provided, single submitter. Criteria: Quest Diagnostics criteria. Collection method: clinical testing. Allele origin: unknown.

Center for Genomic Medicine, Rigshospitalet, Copenhagen University Hospital
Classification: Likely benign. Last evaluated: 2025-03-04. Review status: criteria provided, single submitter. Criteria: ACMG Guidelines, 2015. Collection method: clinical testing. Allele origin: germline.

Myriad Genetics, Inc.
Classification: Benign for Familial adenomatous polyposis 1. Last evaluated: 2024-03-15. Review status: criteria provided, single submitter. Criteria: Myriad Autosomal Dominant, Autosomal Recessive and X-Linked Classification Criteria (2023). Collection method: clinical testing. Allele origin: unknown.
Comment: This variant is considered benign. This variant is a silent/synonymous amino acid change and it is not expected to impact splicing.

All of Us Research Program, National Institutes of Health
Classification: Likely benign for Classic or attenuated familial adenomatous polyposis. Last evaluated: 2023-12-01. Review status: criteria provided, single submitter. Criteria: ACMG Guidelines, 2015. Collection method: clinical testing. Allele origin: germline. Inheritance: Autosomal dominant inheritance. Observed: 2 variant alleles, 2 heterozygotes.
Comment: This study involves interpretation of variants in research participants for the purpose of population health screening. Participant phenotype was not available at the time of variant classification. Additional details can be found in publication PMID: 35346344, PMCID: PMC8962531

Color Diagnostics, LLC DBA Color Health
Classification: Likely benign for Hereditary cancer-predisposing syndrome. Last evaluated: 2019-02-04. Review status: criteria provided, single submitter. Criteria: ACMG Guidelines, 2015. Collection method: clinical testing. Allele origin: germline.

Ambry Genetics
Classification: Likely benign for Hereditary cancer-predisposing syndrome. Last evaluated: 2015-03-18. Review status: criteria provided, single submitter. Criteria: Ambry Variant Classification Scheme 2023. Collection method: clinical testing. Allele origin: germline.

NM_000038.6(APC):c.2763A>G (p.Ala921=)

Gene: APC (APC regulator of Wnt signaling pathway; plus strand). Cytogenetic location: 5q22.2.
Variant type: single nucleotide variant.
Coding change: c.2763A>G on transcript NM_000038.6 (MANE Select); coding-DNA position 2763, A replaced by G.
Protein change: p.Ala921=; no amino-acid change (alanine 921 retained).
Molecular consequence: synonymous variant.
Genome position (GRCh38, 1-based): chr5:112,838,357, A>G. VCF-style: chr5-112838357-A-G. GRCh37 (hg19) VCF-style: chr5-112174054-A-G.
Other names: c.2763A>G, p.Ala921= (NM_001127510.3, NM_001354895.2); c.2709A>G, p.Ala903= (NM_001127511.3); c.2817A>G, p.Ala939= (NM_001354896.2); c.2793A>G, p.Ala931= (NM_001354897.2); c.2688A>G, p.Ala896= (NM_001354898.2); c.2679A>G, p.Ala893= (NM_001354899.2); c.2640A>G, p.Ala880= (NM_001354900.2); c.2586A>G, p.Ala862= (NM_001354901.2); and 5 more.
Identifiers: ClinVar variation 215557 (VCV000215557.25), dbSNP rs750259615, ClinGen allele CA033342.